The following is an entry in ClinVar:

NM_016030.6(TRAPPC12):c.2098A>G (p.Met700Val)

Genes: TRAPPC12 (trafficking protein particle complex subunit 12; plus strand), TRAPPC12-AS1 (TRAPPC12 antisense RNA 1; minus strand). Cytogenetic location: 2p25.3.
Variant type: single nucleotide variant.
Coding change: c.2098A>G on transcript NM_016030.6 (MANE Select); coding-DNA position 2098, A replaced by G.
Protein change: p.Met700Val; replaces methionine 700 with valine.
Molecular consequence: missense variant. On other transcripts: non-coding transcript variant (1).
Genome position (GRCh38, 1-based): chr2:3,479,351, A>G. VCF-style: chr2-3479351-A-G. GRCh37 (hg19) VCF-style: chr2-3483122-A-G.
Other names: c.2098A>G, p.Met700Val (NM_001321102.2); short protein forms M700V.
Identifiers: ClinVar variation 3371487 (VCV003371487.1).

ClinVar aggregate classification (germline): Uncertain significance (1 of 4 stars; one submission).

Submission:

GeneDx
Classification: Uncertain significance. Last evaluated: 2024-03-24. Review status: criteria provided, single submitter. Criteria: GeneDx Variant Classification Process June 2021. Collection method: clinical testing. Allele origin: germline. Affected: yes.
Comment: Not observed at significant frequency in large population cohorts (gnomAD); In silico analysis supports that this missense variant does not alter protein structure/function; Has not been previously published as pathogenic or benign to our knowledge